The following is an entry in ClinVar:

ClinVar aggregate classification (germline): Likely benign. Review status: criteria provided, multiple submitters, no conflicts (2 of 4 stars). 6 submissions from 6 submitters: Likely benign (4). 2 of the submissions do not count toward it. Last evaluated 2025-12-04.

Conditions:
Desmin-related myofibrillar myopathy (MFM1). Also called: Desminopathy; MYOFIBRILLAR MYOPATHY WITH ARRHYTHMOGENIC RIGHT VENTRICULAR CARDIOMYOPATHY; DESMIN-RELATED MYOPATHY WITH ARRHYTHMOGENIC RIGHT VENTRICULAR CARDIOMYOPATHY; Myofibrillar myopathy 1; Desmin related myopathy (former name); Desmin storage myopathy (former name). Identifiers: Orphanet 363543, Orphanet 98909, MedGen C1832370, MONDO:0011076, OMIM 601419.

Allele frequency attached by ClinVar (database versions not stated): ExAC 0.00003; gnomAD exomes 0.00006; TOPMed 0.00006.

Submissions (6):

Labcorp Genetics (formerly Invitae), Labcorp
Classification: Likely benign for Desmin-related myofibrillar myopathy. Last evaluated: 2025-12-04. Review status: criteria provided, single submitter. Criteria: Invitae Variant Classification Sherloc (09022015). Collection method: clinical testing. Allele origin: germline.

CeGaT Center for Human Genetics Tuebingen
Classification: Likely benign. Last evaluated: 2024-07-01. Review status: criteria provided, single submitter. Criteria: CeGaT Center For Human Genetics Tuebingen Variant Classification Criteria Version 2. Collection method: clinical testing. Allele origin: germline. Affected: yes. Observed: 2 variant alleles.
Comment: DES: BP4

Women's Health and Genetics/Laboratory Corporation of America, LabCorp
Classification: Likely benign. Last evaluated: 2019-11-11. Review status: criteria provided, single submitter. Criteria: LabCorp Variant Classification Summary - May 2015. Collection method: clinical testing. Allele origin: germline.
Comment: Variant summary: DES c.1024-7C>G alters a non-conserved nucleotide located close to a canonical splice site and therefore could affect mRNA splicing, leading to a significantly altered protein sequence. 5/5 computational tools predict no significant impact on normal splicing. However, these predictions have yet to be confirmed by functional studies. The variant allele was found at a frequency of 6e-05 in 251112 control chromosomes. The observed variant frequency is approximately 2.4 fold of the estimated maximal expected allele frequency for a pathogenic variant in DES causing Cardiomyopathy phenotype (2.5e-05), strongly suggesting that the variant is benign. To our knowledge, no occurrence of c.1024-7C>G in individuals affected with Cardiomyopathy and no experimental evidence demonstrating its impact on protein function have been reported. One ClinVar submitter (evaluation after 2014) cites the variant as likely benign. Based on the evidence outlined above, the variant was classified as likely benign.

GeneDx
Classification: Likely benign. Last evaluated: 2018-01-29. Review status: criteria provided, single submitter. Criteria: GeneDx Variant Classification (06012015). Collection method: clinical testing. Allele origin: germline. Affected: yes.
Comment: This variant is considered likely benign or benign based on one or more of the following criteria: it is a conservative change, it occurs at a poorly conserved position in the protein, it is predicted to be benign by multiple in silico algorithms, and/or has population frequency not consistent with disease.

Genome Diagnostics Laboratory, University Medical Center Utrecht
Classification: Likely benign. Review status: no assertion criteria provided. Collection method: clinical testing. Allele origin: germline. Affected: yes. Study: VKGL Data-share Consensus. Not counted in ClinVar's aggregate classification.

Joint Genome Diagnostic Labs from Nijmegen and Maastricht, Radboudumc and MUMC+
Classification: Likely benign. Review status: no assertion criteria provided. Collection method: clinical testing. Allele origin: germline. Affected: yes. Study: VKGL Data-share Consensus. Not counted in ClinVar's aggregate classification.

NM_001927.4(DES):c.1024-7C>G

Gene: DES (desmin; plus strand). Cytogenetic location: 2q35.
Variant type: single nucleotide variant.
Coding change: c.1024-7C>G on transcript NM_001927.4 (MANE Select); 7 bases into the intron before coding-DNA position 1024, C replaced by G.
Molecular consequence: intron variant.
Genome position (GRCh38, 1-based): chr2:219,421,333, C>G. VCF-style: chr2-219421333-C-G. GRCh37 (hg19) VCF-style: chr2-220286055-C-G.
Other names: c.1024-7C>G (LRG_380t1).
Identifiers: ClinVar variation 517847 (VCV000517847.42), dbSNP rs779098835, ClinGen allele CA2125227.